The following is an entry in ClinVar:

NM_015466.4(PTPN23):c.4827T>A (p.His1609Gln)

Gene: PTPN23 (protein tyrosine phosphatase non-receptor type 23; plus strand). Cytogenetic location: 3p21.31.
Variant type: single nucleotide variant.
Coding change: c.4827T>A on transcript NM_015466.4 (MANE Select); coding-DNA position 4827, T replaced by A.
Protein change: p.His1609Gln; replaces histidine 1609 with glutamine.
Molecular consequence: missense variant.
Genome position (GRCh38, 1-based): chr3:47,413,101, T>A. VCF-style: chr3-47413101-T-A. GRCh37 (hg19) VCF-style: chr3-47454591-T-A.
Other names: c.4449T>A, p.His1483Gln (NM_001304482.2); short protein forms H1483Q, H1609Q.
Identifiers: ClinVar variation 3656107 (VCV003656107.2).

ClinVar aggregate classification (germline): Uncertain significance (1 of 4 stars; one submission).

gnomAD v4.1: 2 of 1,612,908 alleles (0.00012%); highest among the groups gnomAD compares: Non-Finnish European, 0.00017%; no homozygotes.

Submission:

Labcorp Genetics (formerly Invitae), Labcorp
Classification: Uncertain significance. Last evaluated: 2024-06-10. Review status: criteria provided, single submitter. Criteria: Invitae Variant Classification Sherloc (09022015). Collection method: clinical testing. Allele origin: germline.
Comment: This sequence change replaces histidine, which is basic and polar, with glutamine, which is neutral and polar, at codon 1609 of the PTPN23 protein (p.His1609Gln). This variant is present in population databases (rs764981640, gnomAD 0.0009%). This variant has not been reported in the literature in individuals affected with PTPN23-related conditions. Experimental studies and prediction algorithms are not available or were not evaluated, and the functional significance of this variant is currently unknown. In summary, the available evidence is currently insufficient to determine the role of this variant in disease. Therefore, it has been classified as a Variant of Uncertain Significance.